The following is an entry in ClinVar:

NM_001077350.3(NPRL3):c.1165C>T (p.Gln389Ter)

Genes: HBA-LCR (alpha-globin locus control region; plus strand), NPRL3 (NPR3 like, GATOR1 complex subunit; minus strand). Cytogenetic location: 16p13.3.
Variant type: single nucleotide variant.
Coding change: c.1165C>T on transcript NM_001077350.3 (MANE Select); coding-DNA position 1165, C replaced by T.
Protein change: p.Gln389Ter; replaces glutamine 389 with a stop codon.
Molecular consequence: nonsense.
Genome position (GRCh38, 1-based): chr16:89,899, G>A on the plus strand (C>T on the coding strand, the complement: NPRL3 is on the minus strand). VCF-style: chr16-89899-G-A. GRCh37 (hg19) VCF-style: chr16-139897-G-A.
Other names: c.628C>T, p.Gln210Ter (NM_001039476.3); c.931C>T, p.Gln311Ter (NM_001243247.2); c.1090C>T, p.Gln364Ter (NM_001243248.2, NM_001243249.2); short protein forms Q210*, Q311*, Q364*, Q389*.
Identifiers: ClinVar variation 3383215 (VCV003383215.1).

ClinVar aggregate classification (germline): Likely pathogenic (1 of 4 stars; one submission).

Conditions:
Epilepsy, familial focal, with variable foci 3 (FFEVF3). Identifiers: MedGen C4310708, MONDO:0014925, OMIM 617118.

Submission:

MVZ Medizinische Genetik Mainz
Classification: Likely pathogenic for Epilepsy, familial focal, with variable foci 3. Last evaluated: 2024-10-31. Review status: criteria provided, single submitter. Criteria: UK Practice Guidelines For Variant Classification V4 01 2020. Collection method: clinical testing. Allele origin: germline. Inheritance: Autosomal dominant inheritance. Affected: yes. Observed: 1 variant allele.
Comment: ACMG Criteria: PVS1,PM2_SUP